The following is an entry in ClinVar:

ClinVar aggregate classification (germline): Pathogenic. Review status: reviewed by expert panel (3 of 4 stars). 6 submissions from 6 submitters: Pathogenic (1). 5 of the submissions do not count toward it. Last evaluated 2016-09-08.

Conditions:
Hereditary breast ovarian cancer syndrome. Also called: Hereditary breast and ovarian cancer syndrome; Hereditary breast and ovarian cancer; Hereditary breast and ovarian cancer syndrome (HBOC); Breast and ovarian cancer; Hereditary breast and/or ovarian cancer syndrome; BRCA1- and BRCA2-Associated Hereditary Breast and Ovarian Cancer. Identifiers: Orphanet 145, MedGen C0677776, MeSH D061325, MONDO:0003582. Disease mechanism: loss of function.
Breast-ovarian cancer, familial, susceptibility to, 2 (BROVCA2). Also called: BRCA2 Hereditary Breast and Ovarian Cancer. Identifiers: Orphanet 145, MedGen C2675520, MONDO:0012933, OMIM 612555. Disease mechanism: loss of function.
Hereditary cancer-predisposing syndrome. Also called: Neoplastic Syndromes, Hereditary; Tumor predisposition; Hereditary Cancer Syndrome; Hereditary neoplastic syndrome. Identifiers: Orphanet 140162, MedGen C0027672, MeSH D009386, MONDO:0015356.

Submissions (6):

Evidence-based Network for the Interpretation of Germline Mutant Alleles (ENIGMA)
Classification: Pathogenic for Breast-ovarian cancer, familial, susceptibility to, 2. Last evaluated: 2016-09-08. Review status: reviewed by expert panel. Criteria: ENIGMA BRCA1/2 Classification Criteria (2015). Collection method: curation. Allele origin: germline.
Comment: Variant allele predicted to encode a truncated non-functional protein.

Labcorp Genetics (formerly Invitae), Labcorp
Classification: Pathogenic for Hereditary breast ovarian cancer syndrome. Last evaluated: 2022-05-24. Review status: criteria provided, single submitter. Criteria: Invitae Variant Classification Sherloc (09022015). Collection method: clinical testing. Allele origin: germline. Not counted in ClinVar's aggregate classification.
Comment: For these reasons, this variant has been classified as Pathogenic. ClinVar contains an entry for this variant (Variation ID: 51154). This premature translational stop signal has been observed in individual(s) with breast and/or ovarian cancer (PMID: 27062684, 29335924). This variant is not present in population databases (gnomAD no frequency). This sequence change creates a premature translational stop signal (p.Glu534Serfs*3) in the BRCA2 gene. It is expected to result in an absent or disrupted protein product. Loss-of-function variants in BRCA2 are known to be pathogenic (PMID: 20104584).

Ambry Genetics
Classification: Pathogenic for Hereditary cancer-predisposing syndrome. Last evaluated: 2019-05-15. Review status: criteria provided, single submitter. Criteria: Ambry Variant Classification Scheme 2023. Collection method: clinical testing. Allele origin: germline. Not counted in ClinVar's aggregate classification.
Comment: The c.1599_1600delTG pathogenic mutation, located in coding exon 9 of the BRCA2 gene, results from a deletion of two nucleotides at nucleotide positions 1599 to 1600, causing a translational frameshift with a predicted alternate stop codon (p.E534Sfs*3). This alteration was identified in a large, worldwide study of BRCA1/2 mutation positive families (Rebbeck TR et al. Hum. Mutat. 2018 05;39:593-620). In addition to the clinical data presented in the literature, this alteration is expected to result in loss of function by premature protein truncation or nonsense-mediated mRNA decay. As such, this alteration is interpreted as a disease-causing mutation.

Consortium of Investigators of Modifiers of BRCA1/2 (CIMBA), c/o University of Cambridge
Classification: Pathogenic for Breast-ovarian cancer, familial, susceptibility to, 2. Last evaluated: 2015-10-02. Review status: criteria provided, single submitter. Criteria: CIMBA Mutation Classification guidelines May 2016. Collection method: clinical testing. Allele origin: germline. Not counted in ClinVar's aggregate classification.

deCODE genetics, Amgen
Classification: Likely pathogenic for Breast-ovarian cancer, familial, susceptibility to, 2. Last evaluated: 2023-07-21. Review status: no assertion criteria provided. Collection method: research. Allele origin: germline. Affected: yes. Observed: 1 variant allele. Not counted in ClinVar's aggregate classification.
Comment: The variant NM_000059.4:c.1599_1600del (chr13:32333076) in BRCA2 was detected in 1 heterozygote out of 58K WGS Icelanders (MAF= 0,001%). This variant has been reported in ClinVar previously as pathogenic. Based on ACMG criteria (PVS1, PM2) this variant classifies as likely pathogenic.

Breast Cancer Information Core (BIC) (BRCA2)
Classification: Pathogenic for Breast-ovarian cancer, familial 2. Last evaluated: 2004-03-30. Review status: no assertion criteria provided. Collection method: clinical testing. Allele origin: germline. Affected: yes. Observed: 1 variant allele. Not counted in ClinVar's aggregate classification.

Literature cited by the submitters: PubMed 27062684 (cited by Labcorp Genetics (formerly Invitae), Labcorp and Ambry Genetics); PubMed 29335924 (cited by Labcorp Genetics (formerly Invitae), Labcorp and Ambry Genetics); PubMed 20104584 (cited by Labcorp Genetics (formerly Invitae), Labcorp); PubMed 29446198 (cited by Ambry Genetics).

NM_000059.4(BRCA2):c.1599_1600del (p.Glu534fs)

Gene: BRCA2 (BRCA2 DNA repair associated; plus strand). Cytogenetic location: 13q13.1.
Variant type: Deletion.
Coding change: c.1599_1600del on transcript NM_000059.4 (MANE Select); coding-DNA positions 1599 to 1600, 2 bases deleted (TG; older notation c.1599_1600delTG).
Protein change: p.Glu534fs; shifts the reading frame from glutamic acid 534.
Molecular consequence: frameshift variant.
Genome position (GRCh38, 1-based): chr13:32,333,077-32,333,078, TG deleted. VCF-style (leftmost placement, unchanged base first): chr13-32333076-CTG-C. GRCh37 (hg19) VCF-style: chr13-32907213-CTG-C.
Other names: 1827delTG; c.1599_1600delTG (NM_000059.3).
Identifiers: ClinVar variation 51154 (VCV000051154.33), dbSNP rs80359293, ClinGen allele CA012586.
Genomic context (GRCh38, chr13:32,333,076, plus strand): 5'-AAGAGACTTTCAATGCAAGTTTTTCAGGTCATATGACTGATCCAAACTTTAAAAAAGAAA[CTG>C]AAGCCTCTGAAAGTGGACTGGAAATACATACTGTTTGCTCACAGAAGGAGGACTCCTTAT-3'